The following is an entry in ClinVar:

ClinVar aggregate classification (germline): Conflicting classifications of pathogenicity. Review status: criteria provided, conflicting classifications (1 of 4 stars). 2 submissions from 2 submitters: Uncertain significance (1); Likely benign (1). Last evaluated 2026-05-13.

Conditions:
Inborn genetic diseases. Identifiers: MedGen C0950123, MeSH D030342.
KBG syndrome (KBGS). Also called: ANKRD11-Related KBG Syndrome. Identifiers: Orphanet 2332, MedGen C0220687, MONDO:0007846, OMIM 148050.

Allele frequency attached by ClinVar (database versions not stated): TOPMed 0.00003; gnomAD 0.00003.
gnomAD v4.1: 4 of 1,533,236 alleles (0.00026%); highest among the groups gnomAD compares: African/African-American, 0.0055%; no homozygotes.

Submissions (2):

Ambry Genetics
Classification: Likely benign for Inborn genetic diseases. Last evaluated: 2026-05-13. Review status: criteria provided, single submitter. Criteria: Ambry Variant Classification Scheme 2023. Collection method: clinical testing. Allele origin: germline.

Labcorp Genetics (formerly Invitae), Labcorp
Classification: Uncertain significance for KBG syndrome. Last evaluated: 2023-12-11. Review status: criteria provided, single submitter. Criteria: Invitae Variant Classification Sherloc (09022015). Collection method: clinical testing. Allele origin: germline.
Comment: This sequence change replaces cysteine, which is neutral and slightly polar, with serine, which is neutral and polar, at codon 2269 of the ANKRD11 protein (p.Cys2269Ser). This variant is not present in population databases (gnomAD no frequency). This variant has not been reported in the literature in individuals affected with ANKRD11-related conditions. Advanced modeling of protein sequence and biophysical properties (such as structural, functional, and spatial information, amino acid conservation, physicochemical variation, residue mobility, and thermodynamic stability) performed at Invitae indicates that this missense variant is not expected to disrupt ANKRD11 protein function with a negative predictive value of 95%. In summary, the available evidence is currently insufficient to determine the role of this variant in disease. Therefore, it has been classified as a Variant of Uncertain Significance.

NM_013275.6(ANKRD11):c.6806G>C (p.Cys2269Ser)

Gene: ANKRD11 (ankyrin repeat domain 11; minus strand). Cytogenetic location: 16q24.3.
Variant type: single nucleotide variant.
Coding change: c.6806G>C on transcript NM_013275.6 (MANE Select); coding-DNA position 6806, G replaced by C.
Protein change: p.Cys2269Ser; replaces cysteine 2269 with serine.
Molecular consequence: missense variant.
Genome position (GRCh38, 1-based): chr16:89,279,736, C>G on the plus strand (G>C on the coding strand, the complement: ANKRD11 is on the minus strand). VCF-style: chr16-89279736-C-G. GRCh37 (hg19) VCF-style: chr16-89346144-C-G.
Other names: c.6806G>C, p.Cys2269Ser (NM_001256182.2, NM_001256183.2); c.6806G>C (NM_013275.4); short protein forms C2269S.
Identifiers: ClinVar variation 2871931 (VCV002871931.4), dbSNP rs1445518002, ClinGen allele CA397149937.
Genomic context (GRCh38, chr16:89,279,736, plus strand): 5'-CCGGCACCGTCTGCGGCCTGAGCTTGTGCCACAGTGTTCGGGGCGGGGCCGTCAGGGGCA[C>G]AGAGGGACGCGGCGGGGGGGCCTTCAGCCTCAGCCCCCTGGTCTCCGCTCCCCAGTGGGC-3'
Protein context (NP_037407.4, residues 2259-2279): EAEGPPAASL[Cys2269Ser]APDGPAPNTV